The following is an entry in ClinVar:

ClinVar aggregate classification (germline): Uncertain significance (1 of 4 stars; one submission).

Conditions:
Malignant hyperthermia, susceptibility to, 1 (MHS1). Also called: Anesthesia related hyperthermia; Malignant hyperpyrexia; Fulminating hyperpyrexia; Pharmacogenic myopathy; RYR1-Related Malignant Hyperthermia Susceptibility; Malignant hyperthermia suceptibility 1. Identifiers: Orphanet 423, MedGen C2930980, MONDO:0007783, OMIM 145600.

Allele frequency attached by ClinVar (database versions not stated): gnomAD exomes below 0.00001.

Submission:

All of Us Research Program, National Institutes of Health
Classification: Uncertain significance for Malignant hyperthermia, susceptibility to, 1. Last evaluated: 2023-11-30. Review status: criteria provided, single submitter. Criteria: ACMG Guidelines, 2015. Collection method: clinical testing. Allele origin: germline. Inheritance: Autosomal dominant inheritance. Observed: 2 variant alleles, 2 heterozygotes.
Comment: This missense variant replaces proline with serine at codon 904 of the RYR1 protein. Computational prediction suggests that this variant may have deleterious impact on protein structure and function (internally defined REVEL score threshold >= 0.7, PMID: 27666373). To our knowledge, functional studies have not been reported for this variant. This variant has not been reported in individuals affected with RYR1-related disorders in the literature. This variant has not been identified in the general population by the Genome Aggregation Database (gnomAD). The available evidence is insufficient to determine the role of this variant in disease conclusively. Therefore, this variant is classified as a Variant of Uncertain Significance.

This study involves interpretation of variants in research participants for the purpose of population health screening. Participant phenotype was not available at the time of variant classification. Additional details can be found in publication PMID: 35346344, PMCID: PMC8962531

NM_000540.3(RYR1):c.2710C>T (p.Pro904Ser)

Gene: RYR1 (ryanodine receptor 1; plus strand). Cytogenetic location: 19q13.2.
Variant type: single nucleotide variant.
Coding change: c.2710C>T on transcript NM_000540.3 (MANE Select); coding-DNA position 2710, C replaced by T.
Protein change: p.Pro904Ser; replaces proline 904 with serine.
Molecular consequence: missense variant.
Genome position (GRCh38, 1-based): chr19:38,463,774, C>T. VCF-style: chr19-38463774-C-T. GRCh37 (hg19) VCF-style: chr19-38954414-C-T.
Other names: c.2710C>T, p.Pro904Ser (NM_001042723.2); short protein forms P904S.
Identifiers: ClinVar variation 3072787 (VCV003072787.1), dbSNP rs2514077194, ClinGen allele CA405632309.